The following is an entry in ClinVar:

NM_024334.3(TMEM43):c.985A>C (p.Ile329Leu)

Gene: TMEM43 (transmembrane protein 43; plus strand). Cytogenetic location: 3p25.1.
Variant type: single nucleotide variant.
Coding change: c.985A>C on transcript NM_024334.3 (MANE Select); coding-DNA position 985, A replaced by C.
Protein change: p.Ile329Leu; replaces isoleucine 329 with leucine.
Molecular consequence: missense variant.
Genome position (GRCh38, 1-based): chr3:14,139,282, A>C. VCF-style: chr3-14139282-A-C. GRCh37 (hg19) VCF-style: chr3-14180782-A-C.
Other names: short protein forms I329L.
Identifiers: ClinVar variation 406897 (VCV000406897.8), dbSNP rs1060501358, ClinGen allele CA16611187.
Genomic context (GRCh38, chr3:14,139,282, plus strand): 5'-TGGGGCCTGCGGGCAGCTGGCTGGATGGCCATGTTCATGGGCCTCAACCTTATGACACGG[A>C]TCCTCTACACCTTGGGTAGGTGTTGGGGTGGGTCACTGCCCTCCCTCCTGCACCCTGAAA-3'
Protein context (NP_077310.1, residues 319-339): MFMGLNLMTR[Ile329Leu]LYTLVDWFPV

ClinVar aggregate classification (germline): Uncertain significance (1 of 4 stars; one submission).

Conditions:
Arrhythmogenic right ventricular dysplasia 5. Also called: Arrhythmogenic Right Ventricular Dysplasia/Cardiomyopathy 5; ARRHYTHMOGENIC RIGHT VENTRICULAR DYSPLASIA, FAMILIAL, 5. Identifiers: MedGen C1858379, MONDO:0011459, OMIM 604400.

Submission:

Labcorp Genetics (formerly Invitae), Labcorp
Classification: Uncertain significance for Arrhythmogenic right ventricular dysplasia 5. Last evaluated: 2017-02-21. Review status: criteria provided, single submitter. Criteria: Invitae Variant Classification Sherloc (09022015). Collection method: clinical testing. Allele origin: germline.
Comment: In summary, this variant is a novel missense change with uncertain impact on protein function. It has been classified as a Variant of Uncertain Significance. Algorithms developed to predict the effect of missense changes on protein structure and function do not agree on the potential impact of this missense change (SIFT: "Deleterious"; PolyPhen-2: "Probably Damaging"; Align-GVGD: "Class C0"). This variant is not present in population databases (ExAC no frequency) and has not been reported in the literature in individuals with a TMEM43-related disease. This sequence change replaces isoleucine with leucine at codon 329 of the TMEM43 protein (p.Ile329Leu). The isoleucine residue is highly conserved and there is a small physicochemical difference between isoleucine and leucine.